The following is an entry in ClinVar:

ClinVar aggregate classification (germline): Uncertain significance (1 of 4 stars; one submission).

Submission:

Labcorp Genetics (formerly Invitae), Labcorp
Classification: Uncertain significance. Last evaluated: 2023-10-03. Review status: criteria provided, single submitter. Criteria: Invitae Variant Classification Sherloc (09022015). Collection method: clinical testing. Allele origin: germline.
Comment: This sequence change replaces glutamine, which is neutral and polar, with histidine, which is basic and polar, at codon 214 of the IL2RB protein (p.Gln214His). This variant is not present in population databases (gnomAD no frequency). This variant has not been reported in the literature in individuals affected with IL2RB-related conditions. ClinVar contains an entry for this variant (Variation ID: 1361590). An algorithm developed to predict the effect of missense changes on protein structure and function (PolyPhen-2) suggests that this variant is likely to be tolerated. In summary, the available evidence is currently insufficient to determine the role of this variant in disease. Therefore, it has been classified as a Variant of Uncertain Significance.

NM_000878.5(IL2RB):c.642A>C (p.Gln214His)

Gene: IL2RB (interleukin 2 receptor subunit beta; minus strand). Cytogenetic location: 22q12.3.
Variant type: single nucleotide variant.
Coding change: c.642A>C on transcript NM_000878.5 (MANE Select); coding-DNA position 642, A replaced by C.
Protein change: p.Gln214His; replaces glutamine 214 with histidine.
Molecular consequence: missense variant.
Genome position (GRCh38, 1-based): chr22:37,136,289, T>G on the plus strand (A>C on the coding strand, the complement: IL2RB is on the minus strand). VCF-style: chr22-37136289-T-G. GRCh37 (hg19) VCF-style: chr22-37532329-T-G.
Other names: c.642A>C, p.Gln214His (NM_001346222.1, NM_001346223.2); short protein forms Q214H.
Identifiers: ClinVar variation 1361590 (VCV001361590.8), dbSNP rs2146235059, ClinGen allele CA411427308.